The following is an entry in ClinVar:

NM_024120.5(NDUFAF5):c.223-1G>T

Gene: NDUFAF5 (NADH:ubiquinone oxidoreductase complex assembly factor 5; plus strand). Cytogenetic location: 20p12.1.
Variant type: single nucleotide variant.
Coding change: c.223-1G>T on transcript NM_024120.5 (MANE Select); the canonical splice acceptor site of the intron before coding-DNA position 223, G replaced by T.
Molecular consequence: splice acceptor variant. On other transcripts: 5 prime UTR variant (1), non-coding transcript variant (3).
Genome position (GRCh38, 1-based): chr20:13,787,311, G>T. VCF-style: chr20-13787311-G-T. GRCh37 (hg19) VCF-style: chr20-13767957-G-T.
Other names: c.223-1G>T (NM_024120.4, NM_001039375.3, NM_001352408.2); c.-340G>T (NM_001352407.2); c.-359-1G>T (NM_001352406.2); c.-145-1G>T (NM_001352403.2).
Identifiers: ClinVar variation 2158968 (VCV002158968.5), dbSNP rs6110038, ClinGen allele CA9767655.

ClinVar aggregate classification (germline): Likely pathogenic. Review status: criteria provided, multiple submitters, no conflicts (2 of 4 stars). 2 submissions from 2 submitters: Likely pathogenic (2). Last evaluated 2024-08-19.

Conditions:
Mitochondrial complex I deficiency. Also called: NADH:Q(1) OXIDOREDUCTASE DEFICIENCY. Identifiers: Orphanet 2609, MedGen C1838979, MeSH C537475, MONDO:0100133.

Allele frequency attached by ClinVar (database versions not stated): TOPMed below 0.00001; ExAC 0.00001; gnomAD 0.00001; ESP Exome Variant Server 0.00015.
gnomAD v4.1: 11 of 1,613,984 alleles (0.00068%); highest among the groups gnomAD compares: Non-Finnish European, 0.00093%; no homozygotes.

Submissions (2):

Natera, Inc.
Classification: Likely pathogenic for Mitochondrial complex I deficiency. Last evaluated: 2024-08-19. Review status: criteria provided, single submitter. Criteria: Natera Variant Classification Schema (03/2026). Collection method: clinical testing. Allele origin: germline.
Comment: The c.223-1G>T variant in NDUFAF5 is a canonical splice acceptor site variant predicted to affect pre-mRNA splicing, which may result in an abnormal transcript and altered protein product. This variant is expected to result in nonsense mediated decay, truncation, or a dysfunctional protein product. This variant is rare in the general population with a frequency below the threshold expected for the associated phenotype(s). Given the available evidence, this variant is classified as Likely Pathogenic.

Labcorp Genetics (formerly Invitae), Labcorp
Classification: Likely pathogenic. Last evaluated: 2022-01-28. Review status: criteria provided, single submitter. Criteria: Invitae Variant Classification Sherloc (09022015). Collection method: clinical testing. Allele origin: germline.
Comment: This variant has not been reported in the literature in individuals affected with NDUFAF5-related conditions. In summary, the currently available evidence indicates that the variant is pathogenic, but additional data are needed to prove that conclusively. Therefore, this variant has been classified as Likely Pathogenic. Algorithms developed to predict the effect of sequence changes on RNA splicing suggest that this variant may disrupt the consensus splice site. This variant is not present in population databases (gnomAD no frequency). This sequence change affects an acceptor splice site in intron 1 of the NDUFAF5 gene. It is expected to disrupt RNA splicing. Variants that disrupt the donor or acceptor splice site typically lead to a loss of protein function (PMID: 16199547), and loss-of-function variants in NDUFAF5 are known to be pathogenic (PMID: 26275793, 30473481, 32918965).

Literature cited by the submitters: PubMed 16199547 (cited by Labcorp Genetics (formerly Invitae), Labcorp); PubMed 26275793 (cited by Labcorp Genetics (formerly Invitae), Labcorp); PubMed 30473481 (cited by Labcorp Genetics (formerly Invitae), Labcorp); PubMed 32918965 (cited by Labcorp Genetics (formerly Invitae), Labcorp).